The following is an entry in ClinVar:

ClinVar aggregate classification (germline): Uncertain significance (1 of 4 stars; one submission).

Conditions:
Hereditary cancer-predisposing syndrome. Also called: Neoplastic Syndromes, Hereditary; Tumor predisposition; Hereditary Cancer Syndrome; Hereditary neoplastic syndrome. Identifiers: Orphanet 140162, MedGen C0027672, MeSH D009386, MONDO:0015356.

gnomAD v4.1: 2 of 1,571,098 alleles (0.00013%); highest among the groups gnomAD compares: Non-Finnish European, 0.00017%; no homozygotes.

Submission:

Ambry Genetics
Classification: Uncertain significance for Hereditary cancer-predisposing syndrome. Last evaluated: 2024-02-28. Review status: criteria provided, single submitter. Criteria: Ambry Variant Classification Scheme 2023. Collection method: clinical testing. Allele origin: germline.
Comment: The p.L303V variant (also known as c.907C>G), located in coding exon 9 of the RB1 gene, results from a C to G substitution at nucleotide position 907. The leucine at codon 303 is replaced by valine, an amino acid with highly similar properties. This amino acid position is conserved. In addition, the in silico prediction for this alteration is inconclusive. Since supporting evidence is limited at this time, the clinical significance of this alteration remains unclear.

NM_000321.3(RB1):c.907C>G (p.Leu303Val)

Gene: RB1 (RB transcriptional corepressor 1; plus strand). Cytogenetic location: 13q14.2.
Variant type: single nucleotide variant.
Coding change: c.907C>G on transcript NM_000321.3 (MANE Select); coding-DNA position 907, C replaced by G.
Protein change: p.Leu303Val; replaces leucine 303 with valine.
Molecular consequence: missense variant.
Genome position (GRCh38, 1-based): chr13:48,364,939, C>G. VCF-style: chr13-48364939-C-G. GRCh37 (hg19) VCF-style: chr13-48939075-C-G.
Other names: c.907C>G, p.Leu303Val (NM_001407165.1, NM_001407166.1); short protein forms L303V.
Identifiers: ClinVar variation 1765695 (VCV001765695.2), dbSNP rs1411089830, ClinGen allele CA388160000.
Genomic context (GRCh38, chr13:48,364,939, plus strand): 5'-CTTCATCTTTTTCAGGTGAAAAATGTTTATTTCAAAAATTTTATACCTTTTATGAATTCT[C>G]TTGGACTTGTAACATCTAATGGACTTCCAGAGGTAATCTGAAAGGAAATTTAATAAAATA-3'
Protein context (NP_000312.2, residues 293-313): FKNFIPFMNS[Leu303Val]GLVTSNGLPE